The following is an entry in ClinVar:

ClinVar aggregate classification (germline): Uncertain significance (1 of 4 stars; one submission).

Allele frequency attached by ClinVar (database versions not stated): gnomAD 0.00001; ExAC 0.00002; gnomAD exomes 0.00004.

Submission:

GeneDx
Classification: Uncertain significance. Last evaluated: 2019-04-10. Review status: criteria provided, single submitter. Criteria: GeneDx Variant Classification Process June 2021. Collection method: clinical testing. Allele origin: germline. Affected: yes.
Comment: In silico analysis, which includes protein predictors and evolutionary conservation, supports that this variant does not alter protein structure/function; Has not been previously published as pathogenic or benign to our knowledge

NM_003793.4(CTSF):c.391G>T (p.Val131Phe)

Gene: CTSF (cathepsin F; minus strand). Cytogenetic location: 11q13.2.
Variant type: single nucleotide variant.
Coding change: c.391G>T on transcript NM_003793.4 (MANE Select); coding-DNA position 391, G replaced by T.
Protein change: p.Val131Phe; replaces valine 131 with phenylalanine.
Molecular consequence: missense variant.
Genome position (GRCh38, 1-based): chr11:66,567,584, C>A on the plus strand (G>T on the coding strand, the complement: CTSF is on the minus strand). VCF-style: chr11-66567584-C-A. GRCh37 (hg19) VCF-style: chr11-66335055-C-A.
Other names: short protein forms V131F.
Identifiers: ClinVar variation 1308469 (VCV001308469.2), dbSNP rs758688739, ClinGen allele CA6125597.
Genomic context (GRCh38, chr11:66,567,584, plus strand): 5'-GAGAAGAAATCATGGCTGAGCCCTGAGTGAAGGCTGACTTGGGCTCCCCAGCACCTGGAA[C>A]CTTGGTGTCCACTGGGCCACAGTCCTTCCGCAGCAGCACGTGTCTTCCGAGCTCATCCAG-3'
Protein context (NP_003784.2, residues 121-141): RKDCGPVDTK[Val131Phe]PGAGEPKSAF